The following is an entry in ClinVar:

NM_002830.4(PTPN4):c.1814-3dup

Gene: PTPN4 (protein tyrosine phosphatase non-receptor type 4; plus strand). Cytogenetic location: 2q14.2.
Variant type: Duplication.
Coding change: c.1814-3dup on transcript NM_002830.4 (MANE Select); 3 bases into the intron before coding-DNA position 1814, one base duplicated (T; older notation c.1814-3dupT).
Molecular consequence: intron variant.
Genome position (GRCh38, 1-based): chr2:119,955,154, T duplicated; the last of 12 consecutive T bases (chr2:119,955,143-119,955,154); duplicating any one gives the same sequence. VCF-style (leftmost placement, unchanged base first): chr2-119955142-A-AT. GRCh37 (hg19) VCF-style: chr2-120712718-A-AT.
Identifiers: ClinVar variation 3059519 (VCV003059519.2), dbSNP rs759764897, ClinGen allele CA1849675.

ClinVar aggregate classification (germline): Benign (0 of 4 stars; one submission).

Conditions:
PTPN4-related disorder. Also called: PTPN4-Related Disorders; PTPN4-related condition.

Submission:

PreventionGenetics, part of Exact Sciences
Classification: Benign for PTPN4-related condition. Last evaluated: 2020-04-16. Review status: no assertion criteria provided. Collection method: clinical testing. Allele origin: germline.
Comment: This variant is classified as benign based on ACMG/AMP sequence variant interpretation guidelines (Richards et al. 2015 PMID: 25741868, with internal and published modifications).